The following is an entry in ClinVar:

ClinVar aggregate classification (germline): Uncertain significance (1 of 4 stars; one submission).

Conditions:
Gastrointestinal stromal tumor. Also called: Gastrointestinal stromal tumor, somatic; Gastrointestinal stroma tumor. Identifiers: Orphanet 44890, MedGen C0238198, MeSH D046152, MONDO:0011719, OMIM 606764, HP:0100723.

Submission:

Labcorp Genetics (formerly Invitae), Labcorp
Classification: Uncertain significance for Gastrointestinal stromal tumor. Last evaluated: 2024-03-23. Review status: criteria provided, single submitter. Criteria: Invitae Variant Classification Sherloc (09022015). Collection method: clinical testing. Allele origin: germline.
Comment: This sequence change affects codon 538 of the PDGFRA mRNA. It is a 'silent' change, meaning that it does not change the encoded amino acid sequence of the PDGFRA protein. This variant is not present in population databases (gnomAD no frequency). This variant has not been reported in the literature in individuals affected with PDGFRA-related conditions. Algorithms developed to predict the effect of sequence changes on RNA splicing suggest that this variant may disrupt the consensus splice site. In summary, the available evidence is currently insufficient to determine the role of this variant in disease. Therefore, it has been classified as a Variant of Uncertain Significance.

NM_006206.6(PDGFRA):c.1614G>A (p.Val538=)

Gene: PDGFRA (platelet derived growth factor receptor alpha; plus strand). Cytogenetic location: 4q12.
Variant type: single nucleotide variant.
Coding change: c.1614G>A on transcript NM_006206.6 (MANE Select); coding-DNA position 1614, G replaced by A.
Protein change: p.Val538=; no amino-acid change (valine 538 retained).
Molecular consequence: synonymous variant.
Genome position (GRCh38, 1-based): chr4:54,274,586, G>A. VCF-style: chr4-54274586-G-A. GRCh37 (hg19) VCF-style: chr4-55140753-G-A.
Other names: c.1614G>A, p.Val538= (NM_001347827.2, NM_001347829.2); c.1689G>A, p.Val563= (NM_001347828.2); c.1653G>A, p.Val551= (NM_001347830.2).
Identifiers: ClinVar variation 3678642 (VCV003678642.2).